The following is an entry in ClinVar:

ClinVar aggregate classification (germline): Uncertain significance (1 of 4 stars; one submission).

Conditions:
Combined immunodeficiency due to STIM1 deficiency. Also called: STIM1 DEFICIENCY; IMMUNODEFICIENCY 10. Identifiers: Orphanet 169090, Orphanet 317430, MedGen C2748557, MONDO:0013008, OMIM 612783.
Stormorken syndrome (STRMK). Also called: THROMBOCYTOPATHY, ASPLENIA, AND MIOSIS. Identifiers: Orphanet 3204, MedGen C1861451, MONDO:0008497, OMIM 185070.
Myopathy with tubular aggregates (TAM). Also called: Tubular Aggregate Myopathy. Identifiers: Orphanet 2593, MedGen C0410207, MONDO:0008051.

Submission:

Labcorp Genetics (formerly Invitae), Labcorp
Classification: Uncertain significance for Myopathy with tubular aggregates; Combined immunodeficiency due to STIM1 deficiency; Stormorken syndrome. Last evaluated: 2024-09-04. Review status: criteria provided, single submitter. Criteria: Invitae Variant Classification Sherloc (09022015). Collection method: clinical testing. Allele origin: germline.
Comment: This sequence change replaces threonine, which is neutral and polar, with lysine, which is basic and polar, at codon 182 of the STIM1 protein (p.Thr182Lys). This variant is not present in population databases (gnomAD no frequency). This variant has not been reported in the literature in individuals affected with STIM1-related conditions. Invitae Evidence Modeling of protein sequence and biophysical properties (such as structural, functional, and spatial information, amino acid conservation, physicochemical variation, residue mobility, and thermodynamic stability) has been performed for this missense variant. However, the output from this modeling did not meet the statistical confidence thresholds required to predict the impact of this variant on STIM1 protein function. In summary, the available evidence is currently insufficient to determine the role of this variant in disease. Therefore, it has been classified as a Variant of Uncertain Significance.

NM_001382567.1(STIM1):c.545C>A (p.Thr182Lys)

Gene: STIM1 (stromal interaction molecule 1; plus strand). Cytogenetic location: 11p15.4.
Variant type: single nucleotide variant.
Coding change: c.545C>A on transcript NM_001382567.1 (MANE Select); coding-DNA position 545, C replaced by A.
Protein change: p.Thr182Lys; replaces threonine 182 with lysine.
Molecular consequence: missense variant. On other transcripts: intron variant (1), non-coding transcript variant (3).
Genome position (GRCh38, 1-based): chr11:4,059,328, C>A. VCF-style: chr11-4059328-C-A. GRCh37 (hg19) VCF-style: chr11-4080558-C-A.
Other names: c.545C>A, p.Thr182Lys (NM_001277961.3, NM_001277962.2, NM_001382568.1 and 2 more transcripts); c.323C>A, p.Thr108Lys (NM_001382566.1, NM_001382573.1, NM_001382574.1 and 5 more transcripts); c.410C>A, p.Thr137Lys (NM_001382569.1); c.65C>A, p.Thr22Lys (NM_001382571.1); c.386-10698C>A (NM_001382570.1); c.56C>A, p.Thr19Lys (NM_001382580.1, NM_001382581.1); short protein forms T108K, T137K, T182K, T19K, T22K.
Identifiers: ClinVar variation 3757878 (VCV003757878.2).